The following is an entry in ClinVar:

ClinVar aggregate classification (germline): Uncertain significance (1 of 4 stars; one submission).

Conditions:
Hereditary nonpolyposis colorectal neoplasms. Identifiers: MedGen C0009405, MeSH D003123.

Allele frequency attached by ClinVar (database versions not stated): ExAC 0.00001.

Submission:

Labcorp Genetics (formerly Invitae), Labcorp
Classification: Uncertain significance for Hereditary nonpolyposis colorectal neoplasms. Last evaluated: 2022-02-17. Review status: criteria provided, single submitter. Criteria: Invitae Variant Classification Sherloc (09022015). Collection method: clinical testing. Allele origin: germline.
Comment: ClinVar contains an entry for this variant (Variation ID: 966813). In summary, the available evidence is currently insufficient to determine the role of this variant in disease. Therefore, it has been classified as a Variant of Uncertain Significance. Algorithms developed to predict the effect of missense changes on protein structure and function are either unavailable or do not agree on the potential impact of this missense change (SIFT: "Deleterious"; PolyPhen-2: "Probably Damaging"; Align-GVGD: "Class C15"). This variant has not been reported in the literature in individuals affected with PMS2-related conditions. This variant is not present in population databases (gnomAD no frequency). This sequence change replaces aspartic acid, which is acidic and polar, with asparagine, which is neutral and polar, at codon 339 of the PMS2 protein (p.Asp339Asn).

NM_000535.7(PMS2):c.1015G>A (p.Asp339Asn)

Gene: PMS2 (PMS1 homolog 2, mismatch repair system component; minus strand). Cytogenetic location: 7p22.1.
Variant type: single nucleotide variant.
Coding change: c.1015G>A on transcript NM_000535.7 (MANE Select); coding-DNA position 1015, G replaced by A.
Protein change: p.Asp339Asn; replaces aspartic acid 339 with asparagine.
Molecular consequence: missense variant. On other transcripts: non-coding transcript variant (1), intron variant (2).
Genome position (GRCh38, 1-based): chr7:5,989,929, C>T on the plus strand (G>A on the coding strand, the complement: PMS2 is on the minus strand). VCF-style: chr7-5989929-C-T. GRCh37 (hg19) VCF-style: chr7-6029560-C-T.
Other names: c.610G>A, p.Asp204Asn (NM_001322003.2, NM_001322004.2, NM_001322005.2 and 1 more transcripts); c.697G>A, p.Asp233Asn (NM_001322007.2, NM_001322008.2); c.82G>A, p.Asp28Asn (NM_001322011.2, NM_001322012.2); c.442G>A, p.Asp148Asn (NM_001322013.2); c.1015G>A, p.Asp339Asn (NM_001322014.2); c.706G>A, p.Asp236Asn (NM_001322015.2); c.583+2044G>A (NM_001322010.2); c.988+2044G>A (NM_001322006.2); short protein forms D148N, D233N, D236N, D28N, D339N, D204N.
Identifiers: ClinVar variation 966813 (VCV000966813.10), dbSNP rs780283029, ClinGen allele CA041515.